The following is an entry in ClinVar:

ClinVar aggregate classification (germline): Pathogenic (1 of 4 stars; one submission).

Submission:

GeneDx
Classification: Pathogenic. Last evaluated: 2018-03-02. Review status: criteria provided, single submitter. Criteria: GeneDx Variant Classification (06012015). Collection method: clinical testing. Allele origin: germline. Affected: yes.
Comment: The c.959dupG variant in the CTNNB1 gene has not been reported previously as a pathogenic variant nor as a benign variant, to our knowledge. The c.959dupG variant causes a frameshift starting with codon Proline 321, changes this amino acid to a Threonine residue, and creates a premature Stop codon at position 32 of the new reading frame, denoted p.Pro321ThrfsX32. This variant is predicted to cause loss of normal protein function either through protein truncation or nonsense-mediated mRNA decay. The c.959dupG variant is not observed in large population cohorts (Lek et al., 2016). We interpret c.959dupG as a pathogenic variant

NM_001904.4(CTNNB1):c.959dup (p.Pro321fs)

Gene: CTNNB1 (catenin beta 1; plus strand). Cytogenetic location: 3p22.1.
Variant type: Duplication.
Coding change: c.959dup on transcript NM_001904.4 (MANE Select); coding-DNA position 959, one base duplicated (G; older notation c.959dupG).
Protein change: p.Pro321fs; shifts the reading frame from proline 321.
Molecular consequence: frameshift variant.
Genome position (GRCh38, 1-based): chr3:41,227,230, G duplicated; the last of 2 consecutive G bases (chr3:41,227,229-41,227,230); duplicating either gives the same sequence. VCF-style (leftmost placement, unchanged base first): chr3-41227228-T-TG. GRCh37 (hg19) VCF-style: chr3-41268719-T-TG.
Other names: c.959dup, p.Pro321fs (NM_001098209.2, NM_001098210.2); c.938dup, p.Pro314fs (NM_001330729.2); c.959dupG (NM_001904.3); short protein forms P321fs, P314fs.
Identifiers: ClinVar variation 523962 (VCV000523962.2), dbSNP rs1553630795, ClinGen allele CA658796290.